The following is an entry in ClinVar:

NM_001351132.2(PEX5):c.740_743del (p.Phe247fs)

Gene: PEX5 (peroxisomal biogenesis factor 5; plus strand). Cytogenetic location: 12p13.31.
Variant type: Deletion.
Coding change: c.740_743del on transcript NM_001351132.2 (MANE Select); coding-DNA positions 740 to 743, 4 bases deleted (TTAT; older notation c.740_743delTTAT).
Protein change: p.Phe247fs; shifts the reading frame from phenylalanine 247.
Molecular consequence: frameshift variant. On other transcripts: intron variant (15).
Genome position (GRCh38, 1-based): chr12:7,202,338-7,202,341, TTAT deleted; deleting any 4 consecutive bases within chr12:7,202,337-7,202,341 gives the same sequence; the c. name uses the placement nearest the transcript's 3' end. VCF-style (leftmost placement, unchanged base first): chr12-7202336-GTTTA-G. GRCh37 (hg19) VCF-style: chr12-7354932-GTTTA-G.
Other names: c.740_743del, p.Phe247fs (NM_001351133.2, NM_001351134.2, NM_001351136.2 and 6 more transcripts); c.643-274_643-271del (NM_001351124.3, NM_001351126.2, NM_001374646.1 and 10 more transcripts); c.688-274_688-271del (NM_001351135.3, NM_001351138.2); c.785_788del, p.Phe262fs (NM_001131023.2); short protein forms F247fs, F262fs.
Identifiers: ClinVar variation 2831409 (VCV002831409.3), dbSNP rs2540148386, ClinGen allele CA2575065988.
Genomic context (GRCh38, chr12:7,202,336, plus strand): 5'-GGTGTCCCTGGAGTCCGGTGCAGGGTCGGGCCGAGCTCAGGCAGAACAGTGGGCAGCAGA[GTTTA>G]TACAGCAGCAGGTAGGACATTGTCACTTTCCAGTCCCACTTCAGAGCCAGCTGATGCCCC-3'

ClinVar aggregate classification (germline): Pathogenic (1 of 4 stars; one submission).

Conditions:
Peroxisome biogenesis disorder 2B (PBD2B). Identifiers: Orphanet 44, MedGen C3550234, MONDO:0008736, OMIM 202370.

Submission:

Labcorp Genetics (formerly Invitae), Labcorp
Classification: Pathogenic for Peroxisome biogenesis disorder 2B. Last evaluated: 2023-01-24. Review status: criteria provided, single submitter. Criteria: Invitae Variant Classification Sherloc (09022015). Collection method: clinical testing. Allele origin: germline.
Comment: For these reasons, this variant has been classified as Pathogenic. This variant has not been reported in the literature in individuals affected with PEX5-related conditions. This variant is not present in population databases (gnomAD no frequency). This sequence change creates a premature translational stop signal (p.Phe247Tyrfs*18) in the PEX5 gene. It is expected to result in an absent or disrupted protein product. Loss-of-function variants in PEX5 are known to be pathogenic (PMID: 18712838, 21031596).

Literature cited by the submitters: PubMed 18712838; PubMed 21031596.